The following is an entry in ClinVar:

ClinVar aggregate classification (germline): Likely pathogenic. Review status: criteria provided, multiple submitters, no conflicts (2 of 4 stars). 3 submissions from 3 submitters: Likely pathogenic (2). 1 of the submissions does not count toward it. Last evaluated 2025-12-09.

Conditions:
Tuberous sclerosis syndrome (TSC). Also called: Tuberous Sclerosis Complex; Tuberous sclerosis. Identifiers: Orphanet 805, MedGen C0041341, MONDO:0001734.
Tuberous sclerosis 2 (TSC2). Identifiers: Orphanet 805, MedGen C1860707, MONDO:0013199, OMIM 613254.

Submissions (3):

Division of Genetic & Genomic Pathology, Hong Kong Children's Hospital
Classification: Likely pathogenic for Tuberous sclerosis 2. Last evaluated: 2025-12-09. Review status: criteria provided, single submitter. Criteria: ACMG Guidelines, 2015. Collection method: clinical testing. Allele origin: germline. Affected: yes.
Comment: The nucleotide change c.585C>A is located in exon 6 (out of 42 exons) of the TSC2 gene. This variant is absent from control populations (gnomAD v2.1.1 and v4.1.0). Heterozygosity for this variant has been reported in patients with tuberous sclerosis (PMID: 35918040; TSC2 database in LOVD), and there is one submission in ClinVar (Accession: VCV000065051.3). Both in-silico predictions (delta score for acceptor loss: 0.56 by SpliceAI10k) and experimental evidence suggest that this variant may cause skipping of exon 6 in some transcripts (PMID: 35918040), and leaky splicing may contribute to reduced penetrance or variable expressivity (PMID: 37352859). Overall, this variant is classified as likely pathogenic.

Women's Health and Genetics/Laboratory Corporation of America, LabCorp
Classification: Likely pathogenic for Tuberous sclerosis syndrome. Last evaluated: 2025-07-17. Review status: criteria provided, single submitter. Criteria: LabCorp Variant Classification Summary - May 2015. Collection method: clinical testing. Allele origin: germline.
Comment: Variant summary: TSC2 c.585C>A alters a non-conserved nucleotide resulting in a synonymous change. Consensus agreement among computation tools predict no significant impact on normal splicing. At least one publication reports experimental evidence that this variant affects mRNA splicing, resulting in out of frame skipping of exon 6 and predicted frameshift expected to trigger nonsense mediated decay (Ng_2022). The variant was absent in 251492 control chromosomes. c.585C>A has been observed in the heterozygous state in at least 2 related individual(s) affected with Tuberous Sclerosis Complex (Ng_2022), segregating with disease. These data indicate that the variant may be associated with disease. The following publication has been ascertained in the context of this evaluation (PMID: 35918040). ClinVar contains an entry for this variant (Variation ID: 65051). Based on the evidence outlined above, the variant was classified as likely pathogenic.

Tuberous sclerosis database (TSC2)
No classification provided. Condition: TSC. Review status: no classification provided. Criteria: Tuberous Sclerosis Database Assertion Criteria 2015. Collection method: curation. Allele origin: germline. Affected: yes. Not counted in ClinVar's aggregate classification.

Literature cited by the submitters: PubMed 35918040 (cited by Division of Genetic & Genomic Pathology, Hong Kong Children's Hospital and Women's Health and Genetics/Laboratory Corporation of America, LabCorp); PubMed 37352859 (cited by Division of Genetic & Genomic Pathology, Hong Kong Children's Hospital).

NM_000548.5(TSC2):c.585C>A (p.Ile195=)

Gene: TSC2 (TSC complex subunit 2; plus strand). Cytogenetic location: 16p13.3.
Variant type: single nucleotide variant.
Coding change: c.585C>A on transcript NM_000548.5 (MANE Select); coding-DNA position 585, C replaced by A.
Protein change: p.Ile195=; no amino-acid change (isoleucine 195 retained).
Molecular consequence: synonymous variant. On other transcripts: intron variant (1).
Genome position (GRCh38, 1-based): chr16:2,055,505, C>A. VCF-style: chr16-2055505-C-A. GRCh37 (hg19) VCF-style: chr16-2105506-C-A.
Other names: c.585C>A, p.Ile195= (NM_001077183.3, NM_001114382.3, NM_001363528.2 and 3 more transcripts); c.474C>A, p.Ile158= (NM_001318827.2); c.438C>A, p.Ile146= (NM_001318829.2); c.618C>A, p.Ile206= (NM_001318832.2); c.-1-691C>A (NM_001318831.2).
Identifiers: ClinVar variation 65051 (VCV000065051.5), dbSNP rs397515309, ClinGen allele CA022589.